The following is an entry in ClinVar:

ClinVar aggregate classification (germline): Uncertain significance (1 of 4 stars; one submission).

Conditions:
Hereditary cancer-predisposing syndrome. Also called: Neoplastic Syndromes, Hereditary; Tumor predisposition; Hereditary Cancer Syndrome; Hereditary neoplastic syndrome. Identifiers: Orphanet 140162, MedGen C0027672, MeSH D009386, MONDO:0015356.

Submission:

Ambry Genetics
Classification: Uncertain significance for Hereditary cancer-predisposing syndrome. Last evaluated: 2025-07-07. Review status: criteria provided, single submitter. Criteria: Ambry Variant Classification Scheme 2023. Collection method: clinical testing. Allele origin: germline.
Comment: The p.G1433R variant (also known as c.4297G>C), located in coding exon 10 of the BRCA2 gene, results from a G to C substitution at nucleotide position 4297. The glycine at codon 1433 is replaced by arginine, an amino acid with dissimilar properties. This amino acid position is well conserved in available vertebrate species. In addition, the in silico prediction for this alteration is inconclusive. Based on the available evidence, the clinical significance of this variant remains unclear.

NM_000059.4(BRCA2):c.4297G>C (p.Gly1433Arg)

Gene: BRCA2 (BRCA2 DNA repair associated; plus strand). Cytogenetic location: 13q13.1.
Variant type: single nucleotide variant.
Coding change: c.4297G>C on transcript NM_000059.4 (MANE Select); coding-DNA position 4297, G replaced by C.
Protein change: p.Gly1433Arg; replaces glycine 1433 with arginine.
Molecular consequence: missense variant. On other transcripts: non-coding transcript variant (1), intron variant (2).
Genome position (GRCh38, 1-based): chr13:32,338,652, G>C. VCF-style: chr13-32338652-G-C. GRCh37 (hg19) VCF-style: chr13-32912789-G-C.
Other names: c.4297G>C, p.Gly1433Arg (NM_001406719.1, NM_001406720.1, NM_001432077.1); c.1909+5265G>C (NM_001406721.1); c.425-5906G>C (NM_001406722.1); short protein forms G1433R.
Identifiers: ClinVar variation 4215291 (VCV004215291.1).
Genomic context (GRCh38, chr13:32,338,652, plus strand): 5'-AAAACGGAGCAAAATATAAAAGATTTTGAGACTTCTGATACATTTTTTCAGACTGCAAGT[G>C]GGAAAAATATTAGTGTCGCCAAAGAGTCATTTAATAAAATTGTAAATTTCTTTGATCAGA-3'
Protein context (NP_000050.3, residues 1423-1443): TSDTFFQTAS[Gly1433Arg]KNISVAKESF